The following is an entry in ClinVar:

NM_007347.5(AP4E1):c.984T>C (p.Tyr328=)

Gene: AP4E1 (adaptor related protein complex 4 subunit epsilon 1; plus strand). Cytogenetic location: 15q21.2.
Variant type: single nucleotide variant.
Coding change: c.984T>C on transcript NM_007347.5 (MANE Select); coding-DNA position 984, T replaced by C.
Protein change: p.Tyr328=; no amino-acid change (tyrosine 328 retained).
Molecular consequence: synonymous variant.
Genome position (GRCh38, 1-based): chr15:50,941,482, T>C. VCF-style: chr15-50941482-T-C. GRCh37 (hg19) VCF-style: chr15-51233679-T-C.
Other names: c.759T>C, p.Tyr253= (NM_001252127.2).
Identifiers: ClinVar variation 513700 (VCV000513700.1), dbSNP rs1555456740, ClinGen allele CA490345245.

ClinVar aggregate classification (germline): Likely benign (1 of 4 stars; one submission).

Allele frequency attached by ClinVar (database versions not stated): gnomAD exomes below 0.00001.
gnomAD v4.1: 1 of 1,613,040 alleles (0.000062%); highest among the groups gnomAD compares: Non-Finnish European, 0.000085%; no homozygotes.

Submission:

GeneDx
Classification: Likely benign. Last evaluated: 2017-11-29. Review status: criteria provided, single submitter. Criteria: GeneDx Variant Classification (06012015). Collection method: clinical testing. Allele origin: germline. Affected: yes.
Comment: This variant is considered likely benign or benign based on one or more of the following criteria: it is a conservative change, it occurs at a poorly conserved position in the protein, it is predicted to be benign by multiple in silico algorithms, and/or has population frequency not consistent with disease.